The following is an entry in ClinVar:

NM_000135.4(FANCA):c.748A>C (p.Asn250His)

Gene: FANCA (FA complementation group A; minus strand). Cytogenetic location: 16q24.3.
Variant type: single nucleotide variant.
Coding change: c.748A>C on transcript NM_000135.4 (MANE Select); coding-DNA position 748, A replaced by C.
Protein change: p.Asn250His; replaces asparagine 250 with histidine.
Molecular consequence: missense variant.
Genome position (GRCh38, 1-based): chr16:89,803,303, T>G on the plus strand (A>C on the coding strand, the complement: FANCA is on the minus strand). VCF-style: chr16-89803303-T-G. GRCh37 (hg19) VCF-style: chr16-89869711-T-G.
Other names: c.748A>C, p.Asn250His (NM_001018112.3, NM_001286167.3); c.652A>C, p.Asn218His (NM_001351830.2); short protein forms N218H, N250H.
Identifiers: ClinVar variation 5036408 (VCV005036408.1).

ClinVar aggregate classification (germline): Uncertain significance (1 of 4 stars; one submission).

Conditions:
Inborn genetic diseases. Identifiers: MedGen C0950123, MeSH D030342.

gnomAD v4.1: 1 of 1,614,176 alleles (0.000062%); highest among the groups gnomAD compares: African/African-American, 0.0013%; no homozygotes.

Submission:

Ambry Genetics
Classification: Uncertain significance for Inborn genetic diseases. Last evaluated: 2026-08-11. Review status: criteria provided, single submitter. Criteria: Ambry Variant Classification Scheme 2023. Collection method: clinical testing. Allele origin: germline.
Comment: The p.N250H variant (also known as c.748A>C), located in coding exon 8 of the FANCA gene, results from an A to C substitution at nucleotide position 748. The asparagine at codon 250 is replaced by histidine, an amino acid with similar properties. This amino acid position is conserved. In addition, this alteration is predicted to be tolerated by in silico analysis. Based on the available evidence, the clinical significance of this variant remains unclear.